The following is an entry in ClinVar:

NM_025152.3(NUBPL):c.898-160G>T

Gene: NUBPL (NUBP iron-sulfur cluster assembly factor, mitochondrial; plus strand). Cytogenetic location: 14q12.
Variant type: single nucleotide variant.
Coding change: c.898-160G>T on transcript NM_025152.3 (MANE Select); 160 bases into the intron before coding-DNA position 898, G replaced by T.
Molecular consequence: intron variant.
Genome position (GRCh38, 1-based): chr14:31,858,958, G>T. VCF-style: chr14-31858958-G-T. GRCh37 (hg19) VCF-style: chr14-32328164-G-T.
Other names: NC_000014.8:g.32328164G>T; c.610-160G>T (NM_001201573.2); c.349-160G>T (NM_001201574.2).
Identifiers: ClinVar variation 669526 (VCV000669526.2), dbSNP rs3742923, ClinGen allele CA15818277.

ClinVar aggregate classification (germline): Benign (1 of 4 stars; one submission).

Allele frequency attached by ClinVar (database versions not stated): 1000 Genomes Project 30x 0.33807; TOPMed 0.35063; 1000 Genomes Project 0.34365.
gnomAD v4.1: 54,097 of 151,966 alleles (36%); highest among the groups gnomAD compares: Non-Finnish European, 47%; 11,726 homozygotes.

Submissions (2):

GeneDx
Classification: Benign. Last evaluated: 2018-06-14. Review status: criteria provided, single submitter. Criteria: GeneDx Variant Classification (06012015). Collection method: clinical testing. Allele origin: germline. Affected: yes.
Comment: This variant is considered likely benign or benign based on one or more of the following criteria: it is a conservative change, it occurs at a poorly conserved position in the protein, it is predicted to be benign by multiple in silico algorithms, and/or has population frequency not consistent with disease.

Dr. Peter K. Rogan Lab, Western University
No classification provided (evidence only). Condition: Uterine carcinosarcoma. Review status: no classification provided. Collection method: in vitro. Allele origin: not applicable. Functional consequence: retained intron. Not counted in ClinVar's aggregate classification.